The following is an entry in ClinVar:

ClinVar aggregate classification (germline): Conflicting classifications of pathogenicity. Review status: criteria provided, conflicting classifications (1 of 4 stars). 2 submissions from 2 submitters: Uncertain significance (1); Benign (1). Last evaluated 2021-05-12.

Conditions:
Bietti crystalline corneoretinal dystrophy (BCD). Also called: Bietti Crystalline Dystrophy; BIETTI TAPETORETINAL DEGENERATION WITH MARGINAL CORNEAL DYSTROPHY. Identifiers: Orphanet 41751, MedGen C1859486, MONDO:0008865, OMIM 210370.

Allele frequency attached by ClinVar (database versions not stated): 1000 Genomes Project 30x 0.01390; 1000 Genomes Project 0.01438; TOPMed 0.03088; gnomAD 0.03519 and 0.03671.

Submissions (2):

GeneDx
Classification: Benign. Last evaluated: 2021-05-12. Review status: criteria provided, single submitter. Criteria: GeneDx Variant Classification Process June 2021. Collection method: clinical testing. Allele origin: germline. Affected: yes.

Illumina Laboratory Services, Illumina
Classification: Uncertain significance for Bietti crystalline corneoretinal dystrophy. Last evaluated: 2017-04-27. Review status: criteria provided, single submitter. Criteria: ICSL Variant Classification Criteria 13 December 2019. Collection method: clinical testing. Allele origin: germline.
Comment: This variant was observed as part of a predisposition screen in an ostensibly healthy population. A literature search was performed for the gene, cDNA change, and amino acid change (where applicable). Publications were found based on this search. However, the evidence from the literature, in combination with allele frequency data from public databases where available, was not sufficient to rule this variant in or out of causing disease. Therefore, this variant is classified as a variant of unknown significance.

Literature cited by the submitters: PubMed 17962476 (cited by Illumina Laboratory Services, Illumina).

NM_207352.4(CYP4V2):c.*1503A>C

Genes: CYP4V2 (cytochrome P450 family 4 subfamily V member 2; plus strand), KLKB1 (kallikrein B1; plus strand). Cytogenetic location: 4q35.2.
Variant type: single nucleotide variant.
Coding change: c.*1503A>C on transcript NM_207352.4 (MANE Select); 1503 bases downstream of the stop codon, A replaced by C.
Molecular consequence: 3 prime UTR variant.
Genome position (GRCh38, 1-based): chr4:186,212,144, A>C. VCF-style: chr4-186212144-A-C. GRCh37 (hg19) VCF-style: chr4-187133298-A-C.
Identifiers: ClinVar variation 903416 (VCV000903416.5), dbSNP rs55678259, ClinGen allele CA11741941.
Genomic context (GRCh38, chr4:186,212,144, plus strand): 5'-CAGTTTCTGCCCAAAGTCATGTTACCAGTTGGTGACAGAGCTGGAAATACGTAGAGATCT[A>C]TACCCTTAAATCTCTCCACTCACATGCTGATATACTTTCTACTACAATATGCTATAGCTT-3'